The following is an entry in ClinVar:

ClinVar aggregate classification (germline): Likely benign. Review status: criteria provided, multiple submitters, no conflicts (2 of 4 stars). 3 submissions from 3 submitters: Likely benign (3). Last evaluated 2025-12-31.

Conditions:
Cardiovascular phenotype. Identifiers: MedGen CN230736.
Brugada syndrome. Also called: Sudden Unexplained Death Syndrome; Sudden Unexplained Nocturnal Death Syndrome (SUNDS); Sudden unexpected nocturnal death syndrome; Sudden unexplained nocturnal death syndrome. Identifiers: Orphanet 130, MedGen C1142166, MONDO:0015263.

Allele frequency attached by ClinVar (database versions not stated): gnomAD exomes 0.00004 and 0.00007; ExAC 0.00007; gnomAD 0.00009; TOPMed 0.00012; ESP Exome Variant Server 0.00015.
gnomAD v4.1: 75 of 1,614,006 alleles (0.0046%); highest among the groups gnomAD compares: South Asian, 0.022%; no homozygotes.

Submissions (3):

Labcorp Genetics (formerly Invitae), Labcorp
Classification: Likely benign for Brugada syndrome. Last evaluated: 2025-12-31. Review status: criteria provided, single submitter. Criteria: Invitae Variant Classification Sherloc (09022015). Collection method: clinical testing. Allele origin: germline.

Ambry Genetics
Classification: Likely benign for Cardiovascular phenotype. Last evaluated: 2019-07-11. Review status: criteria provided, single submitter. Criteria: Ambry Variant Classification Scheme 2023. Collection method: clinical testing. Allele origin: germline.

GeneDx
Classification: Likely benign. Last evaluated: 2017-05-12. Review status: criteria provided, single submitter. Criteria: GeneDx Variant Classification (06012015). Collection method: clinical testing. Allele origin: germline. Affected: yes.
Comment: This variant is considered likely benign or benign based on one or more of the following criteria: it is a conservative change, it occurs at a poorly conserved position in the protein, it is predicted to be benign by multiple in silico algorithms, and/or has population frequency not consistent with disease.

NM_006514.4(SCN10A):c.4584C>T (p.Phe1528=)

Gene: SCN10A (sodium voltage-gated channel alpha subunit 10; minus strand). Cytogenetic location: 3p22.2.
Variant type: single nucleotide variant.
Coding change: c.4584C>T on transcript NM_006514.4 (MANE Select); coding-DNA position 4584, C replaced by T.
Protein change: p.Phe1528=; no amino-acid change (phenylalanine 1528 retained).
Molecular consequence: synonymous variant.
Genome position (GRCh38, 1-based): chr3:38,701,912, G>A on the plus strand (C>T on the coding strand, the complement: SCN10A is on the minus strand). VCF-style: chr3-38701912-G-A. GRCh37 (hg19) VCF-style: chr3-38743403-G-A.
Other names: c.4581C>T, p.Phe1527= (NM_001293306.2); c.4290C>T, p.Phe1430= (NM_001293307.2).
Identifiers: ClinVar variation 509580 (VCV000509580.9), dbSNP rs141828577, ClinGen allele CA2319866.